The following is an entry in ClinVar:

NM_017780.4(CHD7):c.7529A>G (p.Lys2510Arg)

Gene: CHD7 (chromodomain helicase DNA binding protein 7; plus strand). Cytogenetic location: 8q12.2.
Variant type: single nucleotide variant.
Coding change: c.7529A>G on transcript NM_017780.4 (MANE Select); coding-DNA position 7529, A replaced by G.
Protein change: p.Lys2510Arg; replaces lysine 2510 with arginine.
Molecular consequence: missense variant. On other transcripts: intron variant (1).
Genome position (GRCh38, 1-based): chr8:60,856,809, A>G. VCF-style: chr8-60856809-A-G. GRCh37 (hg19) VCF-style: chr8-61769368-A-G.
Other names: c.1717-5420A>G (NM_001316690.1); short protein forms K2510R.
Identifiers: ClinVar variation 2629820 (VCV002629820.1), dbSNP rs2488078056, ClinGen allele CA371302289.

ClinVar aggregate classification (germline): Uncertain significance (1 of 4 stars; one submission).

Conditions:
CHD7-related disorder. Also called: CHD7-related condition.

Submission:

PreventionGenetics, part of Exact Sciences
Classification: Uncertain significance for CHD7-related condition. Last evaluated: 2023-01-11. Review status: criteria provided, single submitter. Criteria: ACMG Guidelines, 2015. Collection method: clinical testing. Allele origin: germline.
Comment: The CHD7 c.7529A>G variant is predicted to result in the amino acid substitution p.Lys2510Arg. To our knowledge, this variant has not been reported in the literature or in a large population database, indicating this variant is rare. At this time, the clinical significance of this variant is uncertain due to the absence of conclusive functional and genetic evidence.